The following is an entry in ClinVar:

NM_007215.4(POLG2):c.874A>T (p.Asn292Tyr)

Genes: MILR1 (mast cell immunoglobulin like receptor 1; plus strand), POLG2 (DNA polymerase gamma 2, accessory subunit; minus strand). Cytogenetic location: 17q23.3.
Variant type: single nucleotide variant.
Coding change: c.874A>T on transcript NM_007215.4 (MANE Select); coding-DNA position 874, A replaced by T.
Protein change: p.Asn292Tyr; replaces asparagine 292 with tyrosine.
Molecular consequence: missense variant.
Genome position (GRCh38, 1-based): chr17:64,490,891, T>A on the plus strand (A>T on the coding strand, the complement: POLG2 is on the minus strand). VCF-style: chr17-64490891-T-A. GRCh37 (hg19) VCF-style: chr17-62487008-T-A.
Other names: short protein forms N292Y.
Identifiers: ClinVar variation 1449319 (VCV001449319.8), dbSNP rs1555668351, ClinGen allele CA400638602.
Genomic context (GRCh38, chr17:64,490,891, plus strand): 5'-AAAGTTCGTGATCTCCTAGGTTCCACAGGGTTTCTATTAACTCCTTTCCCCAGGGAAAAT[T>A]GTAGTAAAGTTTGTTTCCTTTCCGGCCTTCTTCATCCTGACAGTCACTGCTGCTGAAGTT-3'
Protein context (NP_009146.2, residues 282-302): EGRKGNKLYY[Asn292Tyr]FPWGKELIET

ClinVar aggregate classification (germline): Uncertain significance (1 of 4 stars; one submission).

Allele frequency attached by ClinVar (database versions not stated): gnomAD exomes below 0.00001.
gnomAD v4.1: 1 of 1,613,816 alleles (0.000062%); highest among the groups gnomAD compares: Non-Finnish European, 0.000085%; no homozygotes.

Submission:

Labcorp Genetics (formerly Invitae), Labcorp
Classification: Uncertain significance. Last evaluated: 2024-10-17. Review status: criteria provided, single submitter. Criteria: Invitae Variant Classification Sherloc (09022015). Collection method: clinical testing. Allele origin: germline.
Comment: This sequence change replaces asparagine, which is neutral and polar, with tyrosine, which is neutral and polar, at codon 292 of the POLG2 protein (p.Asn292Tyr). This variant is present in population databases (no rsID available, gnomAD 0.0009%). This variant has not been reported in the literature in individuals affected with POLG2-related conditions. ClinVar contains an entry for this variant (Variation ID: 1449319). An algorithm developed to predict the effect of missense changes on protein structure and function (PolyPhen-2) suggests that this variant is likely to be tolerated. In summary, the available evidence is currently insufficient to determine the role of this variant in disease. Therefore, it has been classified as a Variant of Uncertain Significance.